The following is an entry in ClinVar:

ClinVar aggregate classification (germline): Pathogenic/Likely pathogenic. Review status: criteria provided, multiple submitters, no conflicts (2 of 4 stars). 6 submissions from 6 submitters: Pathogenic (1); Likely pathogenic (3). 2 of the submissions do not count toward it. Last evaluated 2025-04-25.

Conditions:
TTN-related disorder. Also called: TTN-related disorders; TTN-related condition; TTN-related disease.
Dilated cardiomyopathy 1G (CMD1G). Identifiers: Orphanet 154, MedGen C1858763, MONDO:0011400, OMIM 604145.
Cardiovascular phenotype. Identifiers: MedGen CN230736.
Autosomal recessive limb-girdle muscular dystrophy type 2J (LGMDR10). Also called: Limb-girdle muscular dystrophy, type 2J; MUSCULAR DYSTROPHY, LIMB-GIRDLE, AUTOSOMAL RECESSIVE 10. Identifiers: Orphanet 140922, MedGen C1837342, MONDO:0012127, OMIM 608807.

Allele frequency attached by ClinVar (database versions not stated): TOPMed 0.00003; ESP Exome Variant Server 0.00008.

Submissions (6):

GeneDx
Classification: Likely pathogenic. Last evaluated: 2025-04-25. Review status: criteria provided, single submitter. Criteria: GeneDx Variant Classification Process June 2021. Collection method: clinical testing. Allele origin: germline. Affected: yes.
Comment: Has not been previously published as pathogenic or benign to our knowledge; Not observed at significant frequency in large population cohorts (gnomAD); Nonsense variant predicted to result in protein truncation or nonsense mediated decay in a gene for which loss of function is a known mechanism of disease; This variant is associated with the following publications: (PMID: 27625338, 27869827, 32778822)

Labcorp Genetics (formerly Invitae), Labcorp
Classification: Pathogenic for Dilated cardiomyopathy 1G; Autosomal recessive limb-girdle muscular dystrophy type 2J. Last evaluated: 2024-11-21. Review status: criteria provided, single submitter. Criteria: Invitae Variant Classification Sherloc (09022015). Collection method: clinical testing. Allele origin: germline.
Comment: This sequence change creates a premature translational stop signal (p.Gln2274*) in the TTN gene. While this is not anticipated to result in nonsense mediated decay, it is expected to create a truncated TTN protein. This variant is not present in population databases (gnomAD no frequency). This premature translational stop signal has been observed in individuals with autosomal dominant dilated cardiomyopathy (internal data). ClinVar contains an entry for this variant (Variation ID: 504376). This variant is located in the I band of TTN (PMID: 25589632). Truncating variants in this region have been reported in individuals affected with autosomal recessive centronuclear myopathy (PMID: 23975875, internal data). Truncating variants in this region have also been identified in individuals affected with autosomal dominant dilated cardiomyopathy and/or cardio-related conditions (PMID: 27869827, 32964742, internal data). For these reasons, this variant has been classified as Pathogenic.

Ambry Genetics
Classification: Likely pathogenic for Cardiovascular phenotype. Last evaluated: 2023-03-31. Review status: criteria provided, single submitter. Criteria: Ambry Variant Classification Scheme 2023. Collection method: clinical testing. Allele origin: germline.
Comment: The p.Q2228* variant (also known as c.6682C>T), located in coding exon 28 of the TTN gene, results from a C to T substitution at nucleotide position 6682. This changes the amino acid from a glutamine to a stop codon within coding exon 28. This exon is located in the I-band region of the N2-B isoform of the titin protein and is constitutively expressed in TTN transcripts (percent spliced in or PSI 100%). This alteration is expected to result in loss of function by premature protein truncation or nonsense-mediated mRNA decay. While truncating variants in TTN are present in 1-3% of the general population, truncating variants in the A-band are the most common cause of dilated cardiomyopathy (DCM) (Herman DS et al. N. Engl. J. Med., 2012 Feb;366:619-28; Roberts AM et al. Sci Transl Med, 2015 Jan;7:270ra6). TTN truncating variants encoded in constitutive exons (PSI >90%) have been found to be significantly associated with DCM regardless of their position in titin (Schafer S et al. Nat. Genet., 2017 01;49:46-53). This variant is considered to be rare based on population cohorts in the Genome Aggregation Database (gnomAD). Based on the majority of available evidence to date, this variant is likely to be pathogenic.

Clinical Genetics Service, Universitary Hospital 12 de Octubre
Classification: Likely pathogenic for Dilated cardiomyopathy 1G. Review status: criteria provided, single submitter. Criteria: ACMG Guidelines, 2015. Collection method: clinical testing. Allele origin: germline. Affected: yes.

PreventionGenetics, part of Exact Sciences
Classification: Likely pathogenic for TTN-related condition. Last evaluated: 2023-11-21. Review status: no assertion criteria provided. Collection method: clinical testing. Allele origin: germline. Not counted in ClinVar's aggregate classification.
Comment: The TTN c.6820C>T variant is predicted to result in premature protein termination (p.Gln2274*). To our knowledge, this variant has not been reported in the literature or in a large population database, indicating this variant is rare. Other nearby loss-of-function variants have been reported in cases of autosomal recessive TTN-related myopathies (c.6322G>T, Mazzarotto et al 2020. PubMed ID: 31983221; c.8353G>T, Akinrinade et al 2015. PubMed ID: 26084686). This variant is located in the TTN protein I-band region. RNA sequencing studies from heart tissue indicate this exon is commonly included in TTN mRNA transcripts (Exon 32, PSI of 100%, Roberts et al. 2015. PubMed ID: 25589632). TTN truncating variants are reported in 1-2% of presumably healthy individuals, but occur more frequently in exons with low PSI values (Roberts et al. 2015. PMID: 25589632; Herman et al. 2012. PMID: 22335739). However, many cases of recessive TTN-related myopathies in which the individual is compound heterozygous for two loss of function variants in TTN have also been reported (See Ceyhan-Birsoy et al. 2013. PMID: 23975875; Chauveau et al. 2014. PubMed ID: 24105469; Evilä et al. 2016. PubMed ID: 27796757; Ge et al. 2019. PubMed ID: 31053406). This variant is interpreted as likely pathogenic for both autosomal recessive and dominant TTN-related disorders.

Revvity Omics, Revvity
Classification: Uncertain significance. Last evaluated: 2019-10-29. Review status: flagged submission. Criteria: ACMG Guidelines, 2015. Collection method: clinical testing. Allele origin: germline. Not counted in ClinVar's aggregate classification.
ClinVar note: Reason: Older and outlier claim with insufficient supporting evidence

Literature cited by the submitters: PubMed 25589632 (cited by Labcorp Genetics (formerly Invitae), Labcorp); PubMed 23975875 (cited by Labcorp Genetics (formerly Invitae), Labcorp); PubMed 27869827 (cited by Labcorp Genetics (formerly Invitae), Labcorp); PubMed 32964742 (cited by Labcorp Genetics (formerly Invitae), Labcorp).

NM_001267550.2(TTN):c.6820C>T (p.Gln2274Ter)

Genes: TTN (titin; minus strand), LOC126806433 (BRD4-independent group 4 enhancer GRCh37_chr2:179638309-179639508; plus strand). Cytogenetic location: 2q31.2.
Variant type: single nucleotide variant.
Coding change: c.6820C>T on transcript NM_001267550.2 (MANE Select); coding-DNA position 6820, C replaced by T.
Protein change: p.Gln2274Ter; replaces glutamine 2274 with a stop codon.
Molecular consequence: nonsense.
Genome position (GRCh38, 1-based): chr2:178,774,444, G>A on the plus strand (C>T on the coding strand, the complement: TTN is on the minus strand). VCF-style: chr2-178774444-G-A. GRCh37 (hg19) VCF-style: chr2-179639171-G-A.
Other names: c.6820C>T, p.Gln2274Ter (NM_001256850.1, NM_133378.4, NM_133379.5); c.6682C>T, p.Gln2228Ter (NM_003319.4, NM_133432.3, NM_133437.4); c.6820C>T (NM_001267550.1); short protein forms Q2274*, Q2228*.
Identifiers: ClinVar variation 504376 (VCV000504376.20), dbSNP rs145649088, ClinGen allele CA61007278.
Genomic context (GRCh38, chr2:178,774,444, plus strand): 5'-TTTCTGGGGATACAATGCACTCTAATTCTCCTGAATATGATTCTGGAACTTCTATGTCCT[G>A]AAGTTCTTTCACAAACTCAACAACTGCACCTGAAGTGTATAACAGAAAGATAAATCAATT-3'